The following is an entry in ClinVar:

NM_001082486.2(ACD):c.835C>G (p.Pro279Ala)

Gene: ACD (ACD shelterin complex subunit and telomerase recruitment factor; minus strand). Cytogenetic location: 16q22.1.
Variant type: single nucleotide variant.
Coding change: c.835C>G on transcript NM_001082486.2 (MANE Select); coding-DNA position 835, C replaced by G.
Protein change: p.Pro279Ala; replaces proline 279 with alanine.
Molecular consequence: missense variant.
Genome position (GRCh38, 1-based): chr16:67,658,357, G>C on the plus strand (C>G on the coding strand, the complement: ACD is on the minus strand). VCF-style: chr16-67658357-G-C. GRCh37 (hg19) VCF-style: chr16-67692260-G-C.
Other names: c.748C>G, p.Pro250Ala (NM_001410884.1); c.826C>G, p.Pro276Ala (NM_022914.3); short protein forms P279A, P276A, P250A.
Identifiers: ClinVar variation 1789949 (VCV001789949.2), dbSNP rs2543599863, ClinGen allele CA396353047.

ClinVar aggregate classification (germline): Uncertain significance (1 of 4 stars; one submission).

Conditions:
Inborn genetic diseases. Identifiers: MedGen C0950123, MeSH D030342.

Submission:

Ambry Genetics
Classification: Uncertain significance for Inborn genetic diseases. Last evaluated: 2023-11-11. Review status: criteria provided, single submitter. Criteria: Ambry Variant Classification Scheme 2023. Collection method: clinical testing. Allele origin: germline.
Comment: The p.P365A variant (also known as c.1093C>G), located in coding exon 10 of the ACD gene, results from a C to G substitution at nucleotide position 1093. The proline at codon 365 is replaced by alanine, an amino acid with highly similar properties. This amino acid position is conserved. In addition, this alteration is predicted to be tolerated by in silico analysis. Since supporting evidence is limited at this time, the clinical significance of this alteration remains unclear.